The following is an entry in ClinVar:

ClinVar aggregate classification (germline): Uncertain significance (1 of 4 stars; one submission).

Allele frequency attached by ClinVar (database versions not stated): gnomAD exomes 0.00001 and 0.00003; TOPMed 0.00002; gnomAD 0.00003 and 0.00004.
gnomAD v4.1: 22 of 1,548,372 alleles (0.0014%); highest among the groups gnomAD compares: Admixed American, 0.02%; no homozygotes.

Submission:

Labcorp Genetics (formerly Invitae), Labcorp
Classification: Uncertain significance. Last evaluated: 2022-08-16. Review status: criteria provided, single submitter. Criteria: Invitae Variant Classification Sherloc (09022015). Collection method: clinical testing. Allele origin: germline.
Comment: In summary, the available evidence is currently insufficient to determine the role of this variant in disease. Therefore, it has been classified as a Variant of Uncertain Significance. Experimental studies and prediction algorithms are not available or were not evaluated, and the functional significance of this variant is currently unknown. ClinVar contains an entry for this variant (Variation ID: 1352525). This variant has not been reported in the literature in individuals affected with HTT-related conditions. This variant is present in population databases (no rsID available, gnomAD 0.02%). This sequence change replaces threonine, which is neutral and polar, with methionine, which is neutral and non-polar, at codon 1255 of the HTT protein (p.Thr1255Met).

NM_001388492.1(HTT):c.3758C>T (p.Thr1253Met)

Gene: HTT (huntingtin; plus strand). Cytogenetic location: 4p16.3.
Variant type: single nucleotide variant.
Coding change: c.3758C>T on transcript NM_001388492.1 (MANE Select); coding-DNA position 3758, C replaced by T.
Protein change: p.Thr1253Met; replaces threonine 1253 with methionine.
Molecular consequence: missense variant.
Genome position (GRCh38, 1-based): chr4:3,160,286, C>T. VCF-style: chr4-3160286-C-T. GRCh37 (hg19) VCF-style: chr4-3162013-C-T.
Other names: c.3764C>T, p.Thr1255Met (NM_002111.8); short protein forms T1253M, T1255M.
Identifiers: ClinVar variation 1352525 (VCV001352525.6), dbSNP rs1473464204, ClinGen allele CA356103202.